The following is an entry in ClinVar:

ClinVar aggregate classification (germline): Uncertain significance (1 of 4 stars; one submission).

Conditions:
Granulomatous disease, chronic, autosomal recessive, cytochrome b-positive, type 3. Also called: GRANULOMATOUS DISEASE, CHRONIC, DUE TO NCF4 DEFICIENCY; Granulomatous disease, chronic, autosomal recessive, cytochrome b-positive, type III; GRANULOMATOUS DISEASE, CHRONIC, AUTOSOMAL RECESSIVE, 3; CGD, AUTOSOMAL RECESSIVE CYTOCHROME b-POSITIVE, TYPE III. Identifiers: Orphanet 379, MedGen C3151409, MONDO:0013507, OMIM 613960.

Allele frequency attached by ClinVar (database versions not stated): gnomAD exomes below 0.00001 and 0.00001; gnomAD 0.00002; TOPMed 0.00002.
gnomAD v4.1: 23 of 1,613,412 alleles (0.0014%); highest among the groups gnomAD compares: Non-Finnish European, 0.0019%; no homozygotes.

Submission:

Labcorp Genetics (formerly Invitae), Labcorp
Classification: Uncertain significance for Granulomatous disease, chronic, autosomal recessive, cytochrome b-positive, type 3. Last evaluated: 2022-06-27. Review status: criteria provided, single submitter. Criteria: Invitae Variant Classification Sherloc (09022015). Collection method: clinical testing. Allele origin: germline.
Comment: This sequence change replaces leucine, which is neutral and non-polar, with isoleucine, which is neutral and non-polar, at codon 328 of the NCF4 protein (p.Leu328Ile). In summary, the available evidence is currently insufficient to determine the role of this variant in disease. Therefore, it has been classified as a Variant of Uncertain Significance. Algorithms developed to predict the effect of missense changes on protein structure and function (SIFT, PolyPhen-2, Align-GVGD) all suggest that this variant is likely to be tolerated. This variant has not been reported in the literature in individuals affected with NCF4-related conditions. The frequency data for this variant in the population databases is considered unreliable, as metrics indicate poor data quality at this position in the gnomAD database.

NM_000631.5(NCF4):c.759-22C>A

Gene: NCF4 (neutrophil cytosolic factor 4; plus strand). Cytogenetic location: 22q12.3.
Variant type: single nucleotide variant.
Coding change: c.759-22C>A on transcript NM_000631.5 (MANE Select); 22 bases into the intron before coding-DNA position 759, C replaced by A.
Molecular consequence: intron variant. On other transcripts: missense variant (1).
Genome position (GRCh38, 1-based): chr22:36,876,007, C>A. VCF-style: chr22-36876007-C-A. GRCh37 (hg19) VCF-style: chr22-37272049-C-A.
Other names: c.982C>A, p.Leu328Ile (NM_013416.4); short protein forms L328I.
Identifiers: ClinVar variation 1468120 (VCV001468120.7), dbSNP rs1307425631, ClinGen allele CA411390267.
Genomic context (GRCh38, chr22:36,876,007, plus strand): 5'-GGCCAGCCTCATTCCCCTTTCCCCCACCCCACACCCCACTTCCAGCCTGATGCCTCCTTA[C>A]TCCAGCCTGTCACCCCCTTAGGGACATCGCGGTGGAGGAAGATCTCAGCAGCACTCCCCT-3'